The following is an entry in ClinVar:

ClinVar aggregate classification (germline): Benign. Review status: criteria provided, single submitter (1 of 4 stars). 2 submissions from 2 submitters: Benign (1). 1 of the submissions does not count toward it. Last evaluated 2018-06-11.

Conditions:
DCPS-related disorder. Also called: DCPS-related condition.

Allele frequency attached by ClinVar (database versions not stated): gnomAD exomes 0.00009 and 0.00018; ExAC 0.00030; gnomAD 0.00078 and 0.00083; TOPMed 0.00088; ESP Exome Variant Server 0.00100; 1000 Genomes Project 0.00140; 1000 Genomes Project 30x 0.00203.
gnomAD v4.1: 249 of 1,613,750 alleles (0.015%); highest among the groups gnomAD compares: African/African-American, 0.31%; no homozygotes.

Submissions (2):

Labcorp Genetics (formerly Invitae), Labcorp
Classification: Benign. Last evaluated: 2018-06-11. Review status: criteria provided, single submitter. Criteria: Invitae Variant Classification Sherloc (09022015). Collection method: clinical testing. Allele origin: germline.

PreventionGenetics, part of Exact Sciences
Classification: Likely benign for DCPS-related condition. Last evaluated: 2019-03-01. Review status: no assertion criteria provided. Collection method: clinical testing. Allele origin: germline. Not counted in ClinVar's aggregate classification.
Comment: This variant is classified as likely benign based on ACMG/AMP sequence variant interpretation guidelines (Richards et al. 2015 PMID: 25741868, with internal and published modifications).

NM_014026.6(DCPS):c.717G>A (p.Pro239=)

Genes: DCPS (decapping enzyme, scavenger; plus strand), GSEC (G-quadruplex forming sequence containing lncRNA; minus strand). Cytogenetic location: 11q24.2.
Variant type: single nucleotide variant.
Coding change: c.717G>A on transcript NM_014026.6 (MANE Select); coding-DNA position 717, G replaced by A.
Protein change: p.Pro239=; no amino-acid change (proline 239 retained).
Molecular consequence: synonymous variant.
Genome position (GRCh38, 1-based): chr11:126,343,387, G>A. VCF-style: chr11-126343387-G-A. GRCh37 (hg19) VCF-style: chr11-126213282-G-A.
Other names: c.738G>A, p.Pro246= (NM_001350236.2).
Identifiers: ClinVar variation 732989 (VCV000732989.5), dbSNP rs79514900, ClinGen allele CA6355117.